The following is an entry in ClinVar:

NM_002900.3(RBP3):c.2117G>A (p.Gly706Asp)

Gene: RBP3 (retinol binding protein 3; plus strand). Cytogenetic location: 10q11.22.
Variant type: single nucleotide variant.
Coding change: c.2117G>A on transcript NM_002900.3 (MANE Select); coding-DNA position 2117, G replaced by A.
Protein change: p.Gly706Asp; replaces glycine 706 with aspartic acid.
Molecular consequence: missense variant.
Genome position (GRCh38, 1-based): chr10:47,350,601, G>A. VCF-style: chr10-47350601-G-A. GRCh37 (hg19) VCF-style: chr10-48388761-C-T.
Other names: c.2117G>A (NM_002900.2); short protein forms G706D.
Identifiers: ClinVar variation 1362684 (VCV001362684.9), dbSNP rs782380036, ClinGen allele CA5487355.

ClinVar aggregate classification (germline): Uncertain significance. Review status: criteria provided, multiple submitters, no conflicts (2 of 4 stars). 2 submissions from 2 submitters: Uncertain significance (2). Last evaluated 2024-12-02.

Conditions:
Inborn genetic diseases. Identifiers: MedGen C0950123, MeSH D030342.

Allele frequency attached by ClinVar (database versions not stated): ExAC 0.00001; gnomAD 0.00001; gnomAD exomes 0.00001; TOPMed 0.00001.
gnomAD v4.1: 6 of 1,612,872 alleles (0.00037%); highest among the groups gnomAD compares: Non-Finnish European, 0.00051%; no homozygotes.

Submissions (2):

Labcorp Genetics (formerly Invitae), Labcorp
Classification: Uncertain significance. Last evaluated: 2024-12-02. Review status: criteria provided, single submitter. Criteria: Invitae Variant Classification Sherloc (09022015). Collection method: clinical testing. Allele origin: germline.
Comment: This sequence change replaces glycine, which is neutral and non-polar, with aspartic acid, which is acidic and polar, at codon 706 of the RBP3 protein (p.Gly706Asp). This variant is present in population databases (rs782380036, gnomAD 0.003%). This variant has not been reported in the literature in individuals affected with RBP3-related conditions. ClinVar contains an entry for this variant (Variation ID: 1362684). Invitae Evidence Modeling of protein sequence and biophysical properties (such as structural, functional, and spatial information, amino acid conservation, physicochemical variation, residue mobility, and thermodynamic stability) indicates that this missense variant is not expected to disrupt RBP3 protein function with a negative predictive value of 80%. In summary, the available evidence is currently insufficient to determine the role of this variant in disease. Therefore, it has been classified as a Variant of Uncertain Significance.

Ambry Genetics
Classification: Uncertain significance for Inborn genetic diseases. Last evaluated: 2023-09-12. Review status: criteria provided, single submitter. Criteria: Ambry Variant Classification Scheme 2023. Collection method: clinical testing. Allele origin: germline.